The following is an entry in ClinVar:

NM_001134363.3(RBM20):c.1319G>C (p.Cys440Ser)

Gene: RBM20 (RNA binding motif protein 20; plus strand). Cytogenetic location: 10q25.2.
Variant type: single nucleotide variant.
Coding change: c.1319G>C on transcript NM_001134363.3 (MANE Select); coding-DNA position 1319, G replaced by C.
Protein change: p.Cys440Ser; replaces cysteine 440 with serine.
Molecular consequence: missense variant.
Genome position (GRCh38, 1-based): chr10:110,783,409, G>C. VCF-style: chr10-110783409-G-C. GRCh37 (hg19) VCF-style: chr10-112543167-G-C.
Other names: short protein forms C440S.
Identifiers: ClinVar variation 1769850 (VCV001769850.2), dbSNP rs2493417829, ClinGen allele CA378387380.

ClinVar aggregate classification (germline): Uncertain significance (1 of 4 stars; one submission).

Conditions:
Cardiovascular phenotype. Identifiers: MedGen CN230736.

Submission:

Ambry Genetics
Classification: Uncertain significance for Cardiovascular phenotype. Last evaluated: 2022-07-06. Review status: criteria provided, single submitter. Criteria: Ambry Variant Classification Scheme 2023. Collection method: clinical testing. Allele origin: germline.
Comment: The p.C440S variant (also known as c.1319G>C), located in coding exon 3 of the RBM20 gene, results from a G to C substitution at nucleotide position 1319. The cysteine at codon 440 is replaced by serine, an amino acid with dissimilar properties. This amino acid position is conserved. In addition, the in silico prediction for this alteration is inconclusive. Since supporting evidence is limited at this time, the clinical significance of this alteration remains unclear.